The following is an entry in ClinVar:

ClinVar aggregate classification (germline): Uncertain significance. Review status: criteria provided, multiple submitters, no conflicts (2 of 4 stars). 2 submissions from 2 submitters: Uncertain significance (2). Last evaluated 2025-01-31.

Conditions:
Cardiovascular phenotype. Identifiers: MedGen CN230736.

Allele frequency attached by ClinVar (database versions not stated): gnomAD exomes below 0.00001 and 0.00001.
gnomAD v4.1: 6 of 1,613,888 alleles (0.00037%); highest among the groups gnomAD compares: Non-Finnish European, 0.00042%; no homozygotes.

Submissions (2):

Ambry Genetics
Classification: Uncertain significance for Cardiovascular phenotype. Last evaluated: 2025-01-31. Review status: criteria provided, single submitter. Criteria: Ambry Variant Classification Scheme 2023. Collection method: clinical testing. Allele origin: germline.
Comment: The p.Q557K variant (also known as c.1669C>A), located in coding exon 14 of the PTPN11 gene, results from a C to A substitution at nucleotide position 1669. The glutamine at codon 557 is replaced by lysine, an amino acid with similar properties. This amino acid position is conserved. In addition, this alteration is predicted to be tolerated by in silico analysis. Based on the available evidence, the clinical significance of this variant remains unclear.

Women's Health and Genetics/Laboratory Corporation of America, LabCorp
Classification: Uncertain significance. Last evaluated: 2020-01-27. Review status: criteria provided, single submitter. Criteria: LabCorp Variant Classification Summary - May 2015. Collection method: clinical testing. Allele origin: germline.
Comment: Variant summary: PTPN11 c.1669C>A (p.Gln557Lys) results in a conservative amino acid change in the encoded protein sequence. Four of five in-silico tools predict a benign effect of the variant on protein function. The variant allele was found at a frequency of 4e-06 in 251072 control chromosomes (gnomAD). The available data on variant occurrences in the general population are insufficient to allow any conclusion about variant significance. To our knowledge, no occurrence of c.1669C>A in individuals affected with Noonan Syndrome and Related Conditions and no experimental evidence demonstrating its impact on protein function have been reported. No clinical diagnostic laboratories have submitted clinical-significance assessments for this variant to ClinVar after 2014. Based on the evidence outlined above, the variant was classified as uncertain significance.

NM_002834.5(PTPN11):c.1669C>A (p.Gln557Lys)

Gene: PTPN11 (protein tyrosine phosphatase non-receptor type 11; plus strand). Cytogenetic location: 12q24.13.
Variant type: single nucleotide variant.
Coding change: c.1669C>A on transcript NM_002834.5 (MANE Select); coding-DNA position 1669, C replaced by A.
Protein change: p.Gln557Lys; replaces glutamine 557 with lysine.
Molecular consequence: missense variant.
Genome position (GRCh38, 1-based): chr12:112,502,213, C>A. VCF-style: chr12-112502213-C-A. GRCh37 (hg19) VCF-style: chr12-112940017-C-A.
Other names: c.1681C>A, p.Gln561Lys (NM_001330437.2); c.1666C>A, p.Gln556Lys (NM_001374625.1); c.1669C>A (NM_002834.3); short protein forms Q556K, Q557K, Q561K.
Identifiers: ClinVar variation 917664 (VCV000917664.2), dbSNP rs1024227490, ClinGen allele CA243723357.
Genomic context (GRCh38, chr12:112,502,213, plus strand): 5'-AGGAAAGGGCACGAATATACAAATATTAAGTATTCTCTAGCGGACCAGACGAGTGGAGAT[C>A]AGAGCCCTCTCCCGCCTTGTACTCCAACGCCACCCTGTGCAGAGTAAGTAGTGCTGAAGG-3'
Protein context (NP_002825.3, residues 547-567): YSLADQTSGD[Gln557Lys]SPLPPCTPTP